The following is an entry in ClinVar:

NM_006379.5(SEMA3C):c.821G>A (p.Arg274His)

Gene: SEMA3C (semaphorin 3C; minus strand). Cytogenetic location: 7q21.11.
Variant type: single nucleotide variant.
Coding change: c.821G>A on transcript NM_006379.5 (MANE Select); coding-DNA position 821, G replaced by A.
Protein change: p.Arg274His; replaces arginine 274 with histidine.
Molecular consequence: missense variant.
Genome position (GRCh38, 1-based): chr7:80,802,760, C>T on the plus strand (G>A on the coding strand, the complement: SEMA3C is on the minus strand). VCF-style: chr7-80802760-C-T. GRCh37 (hg19) VCF-style: chr7-80432076-C-T.
Other names: c.875G>A, p.Arg292His (NM_001350120.2); c.647G>A, p.Arg216His (NM_001350121.2); short protein forms R216H, R274H, R292H.
Identifiers: ClinVar variation 3348861 (VCV003348861.1).

ClinVar aggregate classification (germline): Uncertain significance (0 of 4 stars; one submission).

Conditions:
SEMA3C-related disorder. Also called: SEMA3C-related condition.

gnomAD v4.1: 4 of 1,612,594 alleles (0.00025%); highest among the groups gnomAD compares: Middle Eastern, 0.017%; no homozygotes.

Submission:

PreventionGenetics, part of Exact Sciences
Classification: Uncertain significance for SEMA3C-related condition. Last evaluated: 2024-05-17. Review status: no assertion criteria provided. Collection method: clinical testing. Allele origin: germline.
Comment: The SEMA3C c.875G>A variant is predicted to result in the amino acid substitution p.Arg292His. To our knowledge, this variant has not been reported in the literature. This variant is reported in 0.0054% of alleles in individuals of East Asian descent in gnomAD. At this time, the clinical significance of this variant is uncertain due to the absence of conclusive functional and genetic evidence.